The following is an entry in ClinVar:

ClinVar aggregate classification (germline): Uncertain significance (0 of 4 stars; one submission).

Conditions:
RAB23-related disorder. Also called: RAB23-related condition.

Submission:

PreventionGenetics, part of Exact Sciences
Classification: Uncertain significance for RAB23-related condition. Last evaluated: 2024-07-01. Review status: no assertion criteria provided. Collection method: clinical testing. Allele origin: germline.
Comment: The RAB23 c.664C>A variant is predicted to result in the amino acid substitution p.Gln222Lys. To our knowledge, this variant has not been reported in the literature or in a large population database, indicating this variant is rare. At this time, the clinical significance of this variant is uncertain due to the absence of conclusive functional and genetic evidence.

NM_016277.5(RAB23):c.664C>A (p.Gln222Lys)

Gene: RAB23 (RAB23, member RAS oncogene family; minus strand). Cytogenetic location: 6p12.1.
Variant type: single nucleotide variant.
Coding change: c.664C>A on transcript NM_016277.5 (MANE Select); coding-DNA position 664, C replaced by A.
Protein change: p.Gln222Lys; replaces glutamine 222 with lysine.
Molecular consequence: missense variant. On other transcripts: non-coding transcript variant (1).
Genome position (GRCh38, 1-based): chr6:57,190,511, G>T on the plus strand (C>A on the coding strand, the complement: RAB23 is on the minus strand). VCF-style: chr6-57190511-G-T. GRCh37 (hg19) VCF-style: chr6-57055309-G-T.
Other names: c.664C>A, p.Gln222Lys (NM_001278666.2, NM_001278667.2, NM_001278668.2 and 1 more transcripts); short protein forms Q222K.
Identifiers: ClinVar variation 3346711 (VCV003346711.1).
Genomic context (GRCh38, chr6:57,190,511, plus strand): 5'-CCAAAACATCTTAGGGTATGCTACAGCTGCTAAAAGGATTTCTGTTTTTCTTGGTCCTTT[G>T]TTTGTTGGGTCTAAGATTGATGACATCTCCACCATTGAGGGTACCTGAATTCTGACCGGA-3'
Protein context (NP_057361.3, residues 212-232): GDVINLRPNK[Gln222Lys]RTKKNRNPFS